The following is an entry in ClinVar:

ClinVar aggregate classification (germline): Benign/Likely benign. Review status: criteria provided, multiple submitters, no conflicts (2 of 4 stars). 3 submissions from 3 submitters: Benign (1); Likely benign (1). 1 of the submissions does not count toward it. Last evaluated 2024-01-20.

Conditions:
GCNT2-related disorder. Also called: GCNT2-related condition.
Cataract 13 with adult I phenotype. Identifiers: Orphanet 91492, MedGen C3805373, MONDO:0007289, OMIM 116700.
Blood group, I system (Ii). Identifiers: MedGen C0020717, OMIM 110800.

Allele frequency attached by ClinVar (database versions not stated): gnomAD exomes 0.00044; ExAC 0.00050; gnomAD 0.00158 and 0.00167; ESP Exome Variant Server 0.00177; TOPMed 0.00189; 1000 Genomes Project 0.00280; 1000 Genomes Project 30x 0.00312.
gnomAD v4.1: 493 of 1,610,412 alleles (0.031%); highest among the groups gnomAD compares: African/African-American, 0.47%; 4 homozygotes.

Submissions (3):

Labcorp Genetics (formerly Invitae), Labcorp
Classification: Benign for Cataract 13 with adult I phenotype. Last evaluated: 2024-01-20. Review status: criteria provided, single submitter. Criteria: Invitae Variant Classification Sherloc (09022015). Collection method: clinical testing. Allele origin: germline.

Illumina Laboratory Services, Illumina
Classification: Likely benign for Blood group, I system. Last evaluated: 2018-01-12. Review status: criteria provided, single submitter. Criteria: ICSL Variant Classification Criteria 13 December 2019. Collection method: clinical testing. Allele origin: germline.
Comment: This variant was observed in the ICSL laboratory as part of a predisposition screen in an ostensibly healthy population. It had not been previously curated by ICSL or reported in the Human Gene Mutation Database (HGMD: prior to June 1st, 2018), and was therefore a candidate for classification through an automated scoring system. Utilizing variant allele frequency, disease prevalence and penetrance estimates, and inheritance mode, an automated score was calculated to assess if this variant is too frequent to cause the disease. Based on the score and internal cut-off values, a variant classified as likely benign is not then subjected to further curation. The score for this variant resulted in a classification of likely benign for this disease.

PreventionGenetics, part of Exact Sciences
Classification: Likely benign for GCNT2-related condition. Last evaluated: 2021-09-09. Review status: no assertion criteria provided. Collection method: clinical testing. Allele origin: germline. Not counted in ClinVar's aggregate classification.
Comment: This variant is classified as likely benign based on ACMG/AMP sequence variant interpretation guidelines (Richards et al. 2015 PMID: 25741868, with internal and published modifications).

NM_001491.3(GCNT2):c.630T>G (p.Gly210=)

Gene: GCNT2 (glucosaminyl (N-acetyl) transferase 2 (I blood group); plus strand). Cytogenetic location: 6p24.3.
Variant type: single nucleotide variant.
Coding change: c.630T>G on transcript NM_001491.3 (MANE Plus Clinical); coding-DNA position 630, T replaced by G.
Protein change: p.Gly210=; no amino-acid change (glycine 210 retained).
Molecular consequence: synonymous variant. On other transcripts: intron variant (2).
Genome position (GRCh38, 1-based): chr6:10,557,053, T>G. VCF-style: chr6-10557053-T-G. GRCh37 (hg19) VCF-style: chr6-10557286-T-G.
Other names: c.925+27217T>G (NM_145649.5, NM_001374747.1).
Identifiers: ClinVar variation 354706 (VCV000354706.16), dbSNP rs148372193, ClinGen allele CA3632045.